The following is an entry in ClinVar:

NM_198173.3(GRHL3):c.348C>T (p.Asn116=)

Gene: GRHL3 (grainyhead like transcription factor 3; plus strand). Cytogenetic location: 1p36.11.
Variant type: single nucleotide variant.
Coding change: c.348C>T on transcript NM_198173.3 (MANE Select); coding-DNA position 348, C replaced by T.
Protein change: p.Asn116=; no amino-acid change (asparagine 116 retained).
Molecular consequence: synonymous variant.
Genome position (GRCh38, 1-based): chr1:24,336,563, C>T. VCF-style: chr1-24336563-C-T. GRCh37 (hg19) VCF-style: chr1-24663053-C-T.
Other names: c.348C>T (NM_198173.2); c.210C>T, p.Asn70= (NM_001195010.2); c.363C>T, p.Asn121= (NM_021180.4); c.348C>T, p.Asn116= (NM_198174.3).
Identifiers: ClinVar variation 2806347 (VCV002806347.4), dbSNP rs111363131, ClinGen allele CA689885.

ClinVar aggregate classification (germline): Likely benign. Review status: criteria provided, multiple submitters, no conflicts (2 of 4 stars). 2 submissions from 2 submitters: Likely benign (2). Last evaluated 2024-10-28.

Conditions:
GRHL3-related disorder. Also called: GRHL3-related condition.
Van der Woude syndrome 2 (VWS2). Identifiers: Orphanet 888, MedGen C1847604, MONDO:0011712, OMIM 606713.

Allele frequency attached by ClinVar (database versions not stated): ExAC 0.00012; ESP Exome Variant Server 0.00015; TOPMed 0.00024; gnomAD 0.00027; 1000 Genomes Project 30x 0.00031; 1000 Genomes Project 0.00040.
gnomAD v4.1: 112 of 1,613,596 alleles (0.0069%); highest among the groups gnomAD compares: African/African-American, 0.072%; no homozygotes.

Submissions (2):

PreventionGenetics, part of Exact Sciences
Classification: Likely benign for GRHL3-related condition. Last evaluated: 2024-10-28. Review status: criteria provided, single submitter. Criteria: ACMG Guidelines, 2015. Collection method: clinical testing. Allele origin: germline.
Comment: This variant is classified as likely benign based on ACMG/AMP sequence variant interpretation guidelines (Richards et al. 2015 PMID: 25741868, with internal and published modifications).

Labcorp Genetics (formerly Invitae), Labcorp
Classification: Likely benign for Van der Woude syndrome 2. Last evaluated: 2023-09-17. Review status: criteria provided, single submitter. Criteria: Invitae Variant Classification Sherloc (09022015). Collection method: clinical testing. Allele origin: germline.